The following is an entry in ClinVar:

ClinVar aggregate classification (germline): Likely benign (1 of 4 stars; one submission).

Allele frequency attached by ClinVar (database versions not stated): 1000 Genomes Project 30x 0.00016; 1000 Genomes Project 0.00020; gnomAD 0.00064; ExAC 0.00067; TOPMed 0.00074; gnomAD exomes 0.00142.
gnomAD v4.1: 2,048 of 1,542,522 alleles (0.13%); highest among the groups gnomAD compares: Non-Finnish European, 0.17%; 2 homozygotes.

Submission:

CeGaT Center for Human Genetics Tuebingen
Classification: Likely benign. Last evaluated: 2024-06-01. Review status: criteria provided, single submitter. Criteria: CeGaT Center For Human Genetics Tuebingen Variant Classification Criteria Version 2. Collection method: clinical testing. Allele origin: germline. Affected: yes. Observed: 1 variant allele.
Comment: COL6A5: BP4

NM_001278298.2(COL6A5):c.2417-7C>T

Gene: COL6A5 (collagen type VI alpha 5 chain; plus strand). Cytogenetic location: 3q22.1.
Variant type: single nucleotide variant.
Coding change: c.2417-7C>T on transcript NM_001278298.2 (MANE Select); 7 bases into the intron before coding-DNA position 2417, C replaced by T.
Molecular consequence: intron variant.
Genome position (GRCh38, 1-based): chr3:130,391,172, C>T. VCF-style: chr3-130391172-C-T. GRCh37 (hg19) VCF-style: chr3-130110015-C-T.
Other names: c.2417-7C>T (NM_153264.7).
Identifiers: ClinVar variation 3250545 (VCV003250545.18), dbSNP rs565870843.